The following is an entry in ClinVar:

ClinVar aggregate classification (germline): Uncertain significance (1 of 4 stars; one submission).

Conditions:
Primary ciliary dyskinesia. Also called: Ciliary dyskinesia. Identifiers: Orphanet 244, MedGen C0008780, MONDO:0016575, HP:0012265.

Allele frequency attached by ClinVar (database versions not stated): gnomAD exomes 0.00010; ExAC 0.00011; 1000 Genomes Project 30x 0.00016; gnomAD 0.00016 and 0.00017; TOPMed 0.00018; 1000 Genomes Project 0.00020; ESP Exome Variant Server 0.00054.
gnomAD v4.1: 197 of 1,613,780 alleles (0.012%); highest among the groups gnomAD compares: Non-Finnish European, 0.016%; no homozygotes.

Submission:

Labcorp Genetics (formerly Invitae), Labcorp
Classification: Uncertain significance for Primary ciliary dyskinesia. Last evaluated: 2022-06-27. Review status: criteria provided, single submitter. Criteria: Invitae Variant Classification Sherloc (09022015). Collection method: clinical testing. Allele origin: germline.
Comment: This sequence change replaces leucine, which is neutral and non-polar, with phenylalanine, which is neutral and non-polar, at codon 4620 of the DNAH8 protein (p.Leu4620Phe). This variant is present in population databases (rs139810428, gnomAD 0.02%). This variant has not been reported in the literature in individuals affected with DNAH8-related conditions. ClinVar contains an entry for this variant (Variation ID: 407293). Algorithms developed to predict the effect of missense changes on protein structure and function are either unavailable or do not agree on the potential impact of this missense change (SIFT: "Deleterious"; PolyPhen-2: "Not Available"; Align-GVGD: "Class C0"). In summary, the available evidence is currently insufficient to determine the role of this variant in disease. Therefore, it has been classified as a Variant of Uncertain Significance.

NM_001206927.2(DNAH8):c.13858C>T (p.Leu4620Phe)

Gene: DNAH8 (dynein axonemal heavy chain 8; plus strand). Cytogenetic location: 6p21.2.
Variant type: single nucleotide variant.
Coding change: c.13858C>T on transcript NM_001206927.2 (MANE Select); coding-DNA position 13858, C replaced by T.
Protein change: p.Leu4620Phe; replaces leucine 4620 with phenylalanine.
Molecular consequence: missense variant.
Genome position (GRCh38, 1-based): chr6:39,030,126, C>T. VCF-style: chr6-39030126-C-T. GRCh37 (hg19) VCF-style: chr6-38997902-C-T.
Other names: c.13207C>T, p.Leu4403Phe (NM_001371.4); short protein forms L4620F, L4403F.
Identifiers: ClinVar variation 407293 (VCV000407293.7), dbSNP rs139810428, ClinGen allele CA3791807.
Genomic context (GRCh38, chr6:39,030,126, plus strand): 5'-AAAAAATAAATCCTATTACCTTATGCTTGACTCTTCCAGGAAGGTGTGTATATTTATGGG[C>T]TCTACATGGATGGAGCAGCCTGGGACAGACGGAATGGGAAGCTCATGGAATCCACCCCCA-3'
Protein context (NP_001193856.1, residues 4610-4630): PPGEGVYIYG[Leu4620Phe]YMDGAAWDRR